The following is an entry in ClinVar:

NM_000430.4(PAFAH1B1):c.671+1G>A

Gene: PAFAH1B1 (platelet activating factor acetylhydrolase 1b regulatory subunit 1; plus strand). Cytogenetic location: 17p13.3.
Variant type: single nucleotide variant.
Coding change: c.671+1G>A on transcript NM_000430.4 (MANE Select); the canonical splice donor site of the intron after coding-DNA position 671, G replaced by A.
Molecular consequence: splice donor variant.
Genome position (GRCh38, 1-based): chr17:2,672,758, G>A. VCF-style: chr17-2672758-G-A. GRCh37 (hg19) VCF-style: chr17-2576052-G-A.
Identifiers: ClinVar variation 3775450 (VCV003775450.1).

ClinVar aggregate classification (germline): Likely pathogenic (1 of 4 stars; one submission).

Conditions:
Lissencephaly due to LIS1 mutation (LIS1). Also called: Isolated Lissencephaly Sequence; PAFAH1B1-Associated Lissencephaly/Subcortical Band Heterotopia; PAFAH1B1-Related Lissencephaly/Subcortical Band Heterotopia. Identifiers: Orphanet 95232, MedGen C4749301, MONDO:0011830, OMIM 607432.

Submission:

3billion
Classification: Likely pathogenic for Lissencephaly due to LIS1 mutation. Last evaluated: 2023-08-01. Review status: criteria provided, single submitter. Criteria: ACMG Guidelines, 2015. Collection method: clinical testing. Allele origin: germline. Affected: yes.
Comment: The variant is not observed in the gnomAD v2.1.1 dataset. Predicted Consequence/Location: Canonical splice site: predicted to alter splicing and result in a loss or disruption of normal protein function. Multiple pathogenic loss-of-function variants are reported downstream of the variant. Therefore, this variant is classified as Likely pathogenic according to the recommendation of ACMG/AMP guideline.